The following is an entry in ClinVar:

NM_172364.5(CACNA2D4):c.1076A>T (p.Lys359Ile)

Gene: CACNA2D4 (calcium voltage-gated channel auxiliary subunit alpha2delta 4; minus strand). Cytogenetic location: 12p13.33.
Variant type: single nucleotide variant.
Coding change: c.1076A>T on transcript NM_172364.5 (MANE Select); coding-DNA position 1076, A replaced by T.
Protein change: p.Lys359Ile; replaces lysine 359 with isoleucine.
Molecular consequence: missense variant.
Genome position (GRCh38, 1-based): chr12:1,885,069, T>A on the plus strand (A>T on the coding strand, the complement: CACNA2D4 is on the minus strand). VCF-style: chr12-1885069-T-A. GRCh37 (hg19) VCF-style: chr12-1994235-T-A.
Other names: short protein forms K359I.
Identifiers: ClinVar variation 1965466 (VCV001965466.6), dbSNP rs1565728992, ClinGen allele CA383359558.

ClinVar aggregate classification (germline): Uncertain significance. Review status: criteria provided, multiple submitters, no conflicts (2 of 4 stars). 2 submissions from 2 submitters: Uncertain significance (2). Last evaluated 2023-08-03.

gnomAD v4.1: 5 of 1,613,682 alleles (0.00031%); highest among the groups gnomAD compares: Non-Finnish European, 0.00042%; no homozygotes.

Submissions (2):

Labcorp Genetics (formerly Invitae), Labcorp
Classification: Uncertain significance. Last evaluated: 2023-08-03. Review status: criteria provided, single submitter. Criteria: Invitae Variant Classification Sherloc (09022015). Collection method: clinical testing. Allele origin: germline.
Comment: This variant has not been reported in the literature in individuals affected with CACNA2D4-related conditions. ClinVar contains an entry for this variant (Variation ID: 1965466). An algorithm developed to predict the effect of missense changes on protein structure and function (PolyPhen-2) suggests that this variant is likely to be tolerated. In summary, the available evidence is currently insufficient to determine the role of this variant in disease. Therefore, it has been classified as a Variant of Uncertain Significance. This variant is not present in population databases (gnomAD no frequency). This sequence change replaces lysine, which is basic and polar, with isoleucine, which is neutral and non-polar, at codon 359 of the CACNA2D4 protein (p.Lys359Ile).

Blueprint Genetics
Classification: Uncertain significance. Last evaluated: 2018-07-31. Review status: criteria provided, single submitter. Criteria: ACMG Guidelines, 2015. Collection method: clinical testing. Allele origin: germline.